The following is an entry in ClinVar:

ClinVar aggregate classification (germline): Likely benign (1 of 4 stars; one submission).

gnomAD v4.1: 56 of 1,209,163 alleles (0.0046%); highest among the groups gnomAD compares: Non-Finnish European, 0.006%; no homozygotes.

Submission:

CeGaT Center for Human Genetics Tuebingen
Classification: Likely benign. Last evaluated: 2025-07-01. Review status: criteria provided, single submitter. Criteria: CeGaT Center For Human Genetics Tuebingen Variant Classification Criteria Version 2. Collection method: clinical testing. Allele origin: germline. Affected: yes. Observed: 1 variant allele.
Comment: DCX: BS2

NM_001195553.2(DCX):c.-22-435G>A

Gene: DCX (doublecortin; minus strand). Cytogenetic location: Xq23.
Variant type: single nucleotide variant.
Coding change: c.-22-435G>A on transcript NM_001195553.2 (MANE Select); 435 bases into the intron before 22 bases upstream of the start codon, G replaced by A.
Molecular consequence: intron variant. On other transcripts: missense variant (1).
Genome position (GRCh38, 1-based): chrX:111,410,855, C>T on the plus strand (G>A on the coding strand, the complement: DCX is on the minus strand). VCF-style: chrX-111410855-C-T. GRCh37 (hg19) VCF-style: chrX-110654083-C-T.
Other names: c.120G>A, p.Met40Ile (NM_000555.3); c.-22-435G>A (NM_001369373.1, NM_178153.3, NM_001369372.1 and 6 more transcripts); short protein forms M40I.
Identifiers: ClinVar variation 4084701 (VCV004084701.8).
Genomic context (GRCh38, chrX:111,410,855, plus strand): 5'-ATTAAAACTGGCATCTGTTTCCTCACACATGCCCACATGACTAACAGTTGTAAATGAATC[C>T]ATAGCCTGACAAAATTCCCCTTGAAGAGAACAGAAGGAGCTACCCAAGGTTAGCATCTCC-3'